The following is an entry in ClinVar:

NM_000203.5(IDUA):c.548C>G (p.Pro183Arg)

Gene: IDUA (alpha-L-iduronidase; plus strand). Cytogenetic location: 4p16.3.
Variant type: single nucleotide variant.
Coding change: c.548C>G on transcript NM_000203.5 (MANE Select); coding-DNA position 548, C replaced by G.
Protein change: p.Pro183Arg; replaces proline 183 with arginine.
Molecular consequence: missense variant. On other transcripts: non-coding transcript variant (1).
Genome position (GRCh38, 1-based): chr4:1,001,522, C>G. VCF-style: chr4-1001522-C-G. GRCh37 (hg19) VCF-style: chr4-995310-C-G.
Other names: c.152C>G, p.Pro51Arg (NM_001363576.1); short protein forms P183R, P51R.
Identifiers: ClinVar variation 551348 (VCV000551348.7), dbSNP rs1238128027, ClinGen allele CA355961745.

ClinVar aggregate classification (germline): Likely pathogenic. Review status: criteria provided, single submitter (1 of 4 stars). 2 submissions from 2 submitters: Likely pathogenic (1). 1 of the submissions does not count toward it. Last evaluated 2022-08-22.

Conditions:
Mucopolysaccharidosis type 1. Also called: Mucopolysaccharidosis Type I; IDUA deficiency; MPS I. Identifiers: Orphanet 579, MedGen C0023786, MONDO:0001586.
Hurler syndrome. Also called: Gargoylism, Hurler Syndrome; MUCOPOLYSACCHARIDOSIS TYPE IH; Severe MPS I (Hurler Syndrome). Identifiers: Orphanet 93473, MedGen C0086795, MONDO:0011758, OMIM 607014.

Allele frequency attached by ClinVar (database versions not stated): gnomAD exomes below 0.00001.
gnomAD v4.1: 1 of 1,613,282 alleles (0.000062%); highest among the groups gnomAD compares: South Asian, 0.0011%; no homozygotes.

Submissions (2):

Labcorp Genetics (formerly Invitae), Labcorp
Classification: Likely pathogenic for Mucopolysaccharidosis type 1. Last evaluated: 2022-08-22. Review status: criteria provided, single submitter. Criteria: Invitae Variant Classification Sherloc (09022015). Collection method: clinical testing. Allele origin: germline.
Comment: In summary, the currently available evidence indicates that the variant is pathogenic, but additional data are needed to prove that conclusively. Therefore, this variant has been classified as Likely Pathogenic. Advanced modeling of protein sequence and biophysical properties (such as structural, functional, and spatial information, amino acid conservation, physicochemical variation, residue mobility, and thermodynamic stability) performed at Invitae indicates that this missense variant is expected to disrupt IDUA protein function. ClinVar contains an entry for this variant (Variation ID: 551348). This missense change has been observed in individual(s) with mucopolysaccharidosis type I (PMID: 9427149, 12203999). This variant is present in population databases (no rsID available, gnomAD 0.003%). This sequence change replaces proline, which is neutral and non-polar, with arginine, which is basic and polar, at codon 183 of the IDUA protein (p.Pro183Arg).

Counsyl
Classification: Uncertain significance for Hurler syndrome. Last evaluated: 2017-04-04. Review status: no assertion criteria provided. Collection method: clinical testing. Allele origin: unknown. Not counted in ClinVar's aggregate classification.

Literature cited by the submitters: PubMed 9427149 (cited by Labcorp Genetics (formerly Invitae), Labcorp); PubMed 12203999 (cited by Labcorp Genetics (formerly Invitae), Labcorp and Counsyl).